The following is an entry in ClinVar:

NM_001267550.2(TTN):c.71348G>A (p.Arg23783His)

Genes: TTN (titin; minus strand), TTN-AS1 (TTN antisense RNA 1; plus strand). Cytogenetic location: 2q31.2.
Variant type: single nucleotide variant.
Coding change: c.71348G>A on transcript NM_001267550.2 (MANE Select); coding-DNA position 71348, G replaced by A.
Protein change: p.Arg23783His; replaces arginine 23783 with histidine.
Molecular consequence: missense variant.
Genome position (GRCh38, 1-based): chr2:178,574,784, C>T on the plus strand (G>A on the coding strand, the complement: TTN is on the minus strand). VCF-style: chr2-178574784-C-T. GRCh37 (hg19) VCF-style: chr2-179439511-C-T.
Other names: c.66425G>A, p.Arg22142His (NM_001256850.1); c.44153G>A, p.Arg14718His (NM_003319.4); c.63644G>A, p.Arg21215His (NM_133378.4); c.44528G>A, p.Arg14843His (NM_133432.3); c.44729G>A, p.Arg14910His (NM_133437.4); short protein forms R23783H, R21215H, R22142H, R14718H, R14843H, R14910H.
Identifiers: ClinVar variation 287388 (VCV000287388.12), dbSNP rs145504744, ClinGen allele CA1990639.

ClinVar aggregate classification (germline): Uncertain significance. Review status: criteria provided, multiple submitters, no conflicts (2 of 4 stars). 4 submissions from 4 submitters: Uncertain significance (4). Last evaluated 2024-02-28.

Conditions:
Primary dilated cardiomyopathy (DCM). Also called: Dilated Cardiomyopathy. Identifiers: Orphanet 217604, MedGen C0007193, MeSH D002311, MONDO:0005021, HP:0001644. Inheritance: Various modes of inheritance.

Allele frequency attached by ClinVar (database versions not stated): gnomAD 0.00001; TOPMed 0.00001; gnomAD exomes 0.00004; ExAC 0.00008; 1000 Genomes Project 30x 0.00016; 1000 Genomes Project 0.00020.
gnomAD v4.1: 53 of 1,611,278 alleles (0.0033%); highest among the groups gnomAD compares: South Asian, 0.039%; no homozygotes.

Submissions (4):

Women's Health and Genetics/Laboratory Corporation of America, LabCorp
Classification: Uncertain significance. Last evaluated: 2024-02-28. Review status: criteria provided, single submitter. Criteria: LabCorp Variant Classification Summary - May 2015. Collection method: clinical testing. Allele origin: germline.
Comment: Variant summary: TTN c.63644G>A (p.Arg21215His) results in a non-conservative amino acid change located in the A-band region of the encoded protein sequence. Three of four in-silico tools predict a damaging effect of the variant on protein function. The variant allele was found at a frequency of 4.5e-05 in 246464 control chromosomes. c.63644G>A has been reported in the literature in unspecified individuals affected with Dilated cardiomyopathy, without strong evidence for causality (example, Al-Shafai_2021). These report(s) do not provide unequivocal conclusions about association of the variant with Limb-Girdle Muscular Dystrophy, Type 2J and other TTN-related diseases. To our knowledge, no experimental evidence demonstrating an impact on protein function has been reported. The following publication have been ascertained in the context of this evaluation (PMID: 34137518). ClinVar contains an entry for this variant (Variation ID: 287388). Based on the evidence outlined above, the variant was classified as uncertain significance.

Revvity Omics, Revvity
Classification: Uncertain significance. Last evaluated: 2021-04-16. Review status: criteria provided, single submitter. Criteria: ACMG Guidelines, 2015. Collection method: clinical testing. Allele origin: germline.

Eurofins Ntd Llc (ga)
Classification: Uncertain significance. Last evaluated: 2016-05-18. Review status: criteria provided, single submitter. Criteria: EGL Classification Definitions 2015. Collection method: clinical testing. Allele origin: germline. Observed: 1 variant allele, 1 heterozygote.

Genetics and Genomics Program, Sidra Medicine
Classification: Uncertain significance for Primary dilated cardiomyopathy. Review status: criteria provided, single submitter. Criteria: ACMG Guidelines, 2015. Collection method: research. Allele origin: unknown. Affected: yes. Observed: 1 variant allele.

Literature cited by the submitters: PubMed 34137518 (cited by Women's Health and Genetics/Laboratory Corporation of America, LabCorp).